The following is an entry in ClinVar:

NM_057175.5(NAA15):c.786A>C (p.Lys262Asn)

Gene: NAA15 (N-alpha-acetyltransferase 15, NatA auxiliary subunit; plus strand). Cytogenetic location: 4q31.1.
Variant type: single nucleotide variant.
Coding change: c.786A>C on transcript NM_057175.5 (MANE Select); coding-DNA position 786, A replaced by C.
Protein change: p.Lys262Asn; replaces lysine 262 with asparagine.
Molecular consequence: missense variant.
Genome position (GRCh38, 1-based): chr4:139,349,556, A>C. VCF-style: chr4-139349556-A-C. GRCh37 (hg19) VCF-style: chr4-140270710-A-C.
Other names: short protein forms K262N.
Identifiers: ClinVar variation 1313299 (VCV001313299.3), dbSNP rs2110930265, ClinGen allele CA358261110.

ClinVar aggregate classification (germline): Uncertain significance (1 of 4 stars; one submission).

Submission:

GeneDx
Classification: Uncertain significance. Last evaluated: 2025-09-17. Review status: criteria provided, single submitter. Criteria: GeneDx Variant Classification Process June 2021. Collection method: clinical testing. Allele origin: germline. Affected: yes.
Comment: Not observed at significant frequency in large population cohorts (gnomAD); In silico analysis suggests that this missense variant does not alter protein structure/function; Has not been previously published as pathogenic or benign to our knowledge